The following is an entry in ClinVar:

NM_001010867.4(IBA57):c.39G>C (p.Gly13=)

Gene: IBA57 (iron-sulfur cluster assembly factor IBA57; plus strand). Cytogenetic location: 1q42.13.
Variant type: single nucleotide variant.
Coding change: c.39G>C on transcript NM_001010867.4 (MANE Select); coding-DNA position 39, G replaced by C.
Protein change: p.Gly13=; no amino-acid change (glycine 13 retained).
Molecular consequence: synonymous variant.
Genome position (GRCh38, 1-based): chr1:228,165,855, G>C. VCF-style: chr1-228165855-G-C. GRCh37 (hg19) VCF-style: chr1-228353556-G-C.
Identifiers: ClinVar variation 3053335 (VCV003053335.2), dbSNP rs2034840072, ClinGen allele CA423739148.

ClinVar aggregate classification (germline): Likely benign (0 of 4 stars; one submission).

Conditions:
IBA57-related disorder. Also called: IBA57-related condition.

Submission:

PreventionGenetics, part of Exact Sciences
Classification: Likely benign for IBA57-related condition. Last evaluated: 2019-11-20. Review status: no assertion criteria provided. Collection method: clinical testing. Allele origin: germline.
Comment: This variant is classified as likely benign based on ACMG/AMP sequence variant interpretation guidelines (Richards et al. 2015 PMID: 25741868, with internal and published modifications).